The following is an entry in ClinVar:

ClinVar aggregate classification (germline): Conflicting classifications of pathogenicity. Review status: criteria provided, conflicting classifications (1 of 4 stars). 2 submissions from 2 submitters: Uncertain significance (1); Likely benign (1). Last evaluated 2024-10-10.

Conditions:
Hereditary cancer-predisposing syndrome. Also called: Tumor predisposition; Neoplastic Syndromes, Hereditary; Hereditary neoplastic syndrome; Hereditary Cancer Syndrome. Identifiers: Orphanet 140162, MedGen C0027672, MeSH D009386, MONDO:0015356.

Submissions (2):

Ambry Genetics
Classification: Uncertain significance for Hereditary cancer-predisposing syndrome. Last evaluated: 2024-10-10. Review status: criteria provided, single submitter. Criteria: Ambry Variant Classification Scheme 2023. Collection method: clinical testing. Allele origin: germline.
Comment: The c.222C>T variant (also known as p.D74D), located in coding exon 2 of the CDKN2A gene, results from a C to T substitution at nucleotide position 222 and does not change the amino acid at position 74 of the p16 isoform. Of note, this variant is also known as p.P89S (c.265C>T) in the p14(ARF) isoform and results from a C to T substitution at nucleotide position 265. The evidence supporting a relationship between p14(ARF) and melanoma-pancreatic cancer syndrome is limited; therefore, the association of this variant with this gene-disease relationship is unknown. However, the association of this variant in the p16 isoform with melanoma-pancreatic cancer syndrome is unlikely.

Color Diagnostics, LLC DBA Color Health
Classification: Likely benign for Hereditary cancer-predisposing syndrome. Last evaluated: 2019-07-22. Review status: criteria provided, single submitter. Criteria: ACMG Guidelines, 2015. Collection method: clinical testing. Allele origin: germline.

NM_000077.5(CDKN2A):c.222C>T (p.Asp74=)

Gene: CDKN2A (cyclin dependent kinase inhibitor 2A; minus strand). Cytogenetic location: 9p21.3.
Variant type: single nucleotide variant.
Coding change: c.222C>T on transcript NM_000077.5; coding-DNA position 222, C replaced by T.
Protein change: p.Asp74=; no amino-acid change (aspartic acid 74 retained).
Molecular consequence: synonymous variant (on NM_000077.6). On other transcripts: missense variant (1), 3 prime UTR variant (1).
Genome position (GRCh38, 1-based): chr9:21,971,137, G>A on the plus strand (C>T on the coding strand, the complement: CDKN2A is on the minus strand). VCF-style: chr9-21971137-G-A. GRCh37 (hg19) VCF-style: chr9-21971136-G-A.
Other names: c.222C>T, p.Asp74= (NM_000077.6, NM_001195132.2); c.69C>T, p.Asp23= (NM_001363763.2); c.265C>T, p.Pro89Ser (NM_058195.4); c.*145C>T (NM_058197.5); short protein forms P89S.
Identifiers: ClinVar variation 922377 (VCV000922377.5), dbSNP rs1587332001, ClinGen allele CA373086296.
Genomic context (GRCh38, chr9:21,971,137, plus strand): 5'-CAGCGTGTCCAGGAAGCCCTCCCGGGCAGCGTCGTGCACGGGTCGGGTGAGAGTGGCGGG[G>A]TCGGCGCAGTTGGGCTCCGCGCCGTGGAGCAGCAGCAGCTCCGCCACTCGGGCGCTGCCC-3'
Protein context (NP_000068.1, residues 64-84): LLHGAEPNCA[Asp74=]PATLTRPVHD